The following is an entry in ClinVar:

ClinVar aggregate classification (germline): Likely pathogenic (1 of 4 stars; one submission).

Conditions:
Dilated cardiomyopathy 1G (CMD1G). Identifiers: Orphanet 154, MedGen C1858763, MONDO:0011400, OMIM 604145.
Autosomal recessive limb-girdle muscular dystrophy type 2J (LGMDR10). Also called: Limb-girdle muscular dystrophy, type 2J; MUSCULAR DYSTROPHY, LIMB-GIRDLE, AUTOSOMAL RECESSIVE 10. Identifiers: Orphanet 140922, MedGen C1837342, MONDO:0012127, OMIM 608807.

Submission:

Labcorp Genetics (formerly Invitae), Labcorp
Classification: Likely pathogenic for Dilated cardiomyopathy 1G; Autosomal recessive limb-girdle muscular dystrophy type 2J. Last evaluated: 2023-03-26. Review status: criteria provided, single submitter. Criteria: Invitae Variant Classification Sherloc (09022015). Collection method: clinical testing. Allele origin: germline.
Comment: In summary, the currently available evidence indicates that the variant is pathogenic, but additional data are needed to prove that conclusively. Therefore, this variant has been classified as Likely Pathogenic. This variant is located in the M band of TTN (PMID: 25589632). Truncating variants in this region have been previously reported in individuals affected with autosomal recessive myopathy and muscular dystrophy (PMID: 18948003, 23975875, 24395473), but have not been definitively shown to cause cardiomyopathy (PMID: 25589632). This variant has not been reported in the literature in individuals affected with TTN-related conditions. This variant is not present in population databases (gnomAD no frequency). This sequence change creates a premature translational stop signal (p.Gln35782Valfs*7) in the TTN gene. While this is not anticipated to result in nonsense mediated decay, it is expected to create a truncated TTN protein.

Literature cited by the submitters: PubMed 25589632; PubMed 18948003; PubMed 23975875; PubMed 24395473.

NM_001267550.2(TTN):c.107343_107346del (p.Gln35782fs)

Genes: TTN-AS1 (TTN antisense RNA 1; plus strand), TTN (titin; minus strand). Cytogenetic location: 2q31.2.
Variant type: Deletion.
Coding change: c.107343_107346del on transcript NM_001267550.2 (MANE Select); coding-DNA positions 107343 to 107346, 4 bases deleted (CCAG; older notation c.107343_107346delCCAG).
Protein change: p.Gln35782fs; shifts the reading frame from glutamine 35782.
Molecular consequence: frameshift variant.
Genome position (GRCh38, 1-based): chr2:178,528,305-178,528,308, CTGG deleted on the plus strand (CCAG on the coding strand, the reverse complement: TTN is on the minus strand); deleting any 4 consecutive bases within chr2:178,528,305-178,528,309 gives the same sequence; the c. name uses the placement nearest the transcript's 3' end. VCF-style (leftmost placement, unchanged base first): chr2-178528304-ACTGG-A. GRCh37 (hg19) VCF-style: chr2-179393031-ACTGG-A.
Other names: c.102420_102423del, p.Gln34141fs (NM_001256850.1); c.80148_80151del, p.Gln26717fs (NM_003319.4); c.99639_99642del, p.Gln33214fs (NM_133378.4); c.80523_80526del, p.Gln26842fs (NM_133432.3); c.80724_80727del, p.Gln26909fs (NM_133437.4); short protein forms Q26717fs, Q26909fs, Q26842fs, Q33214fs, Q34141fs, Q35782fs.
Identifiers: ClinVar variation 2941293 (VCV002941293.3), dbSNP rs2468281627, ClinGen allele CA2740095947.
Genomic context (GRCh38, chr2:178,528,304, plus strand): 5'-TGTAAGGAAGAAGGGTGAGGAGATACTTACGAAGGACCATTAAGGAAGCTGTAGCTGAAC[ACTGG>A]CCACGGAAATTTTTGGCCTTAATTGTGTACTTTCCACTGTCGCTGACTGATGCATTTCGG-3'